The following is an entry in ClinVar:

ClinVar aggregate classification (germline): Uncertain significance. Review status: criteria provided, multiple submitters, no conflicts (2 of 4 stars). 2 submissions from 2 submitters: Uncertain significance (2). Last evaluated 2022-01-18.

Conditions:
Inborn genetic diseases. Identifiers: MedGen C0950123, MeSH D030342.
Mucopolysaccharidosis, MPS-III-A (MPS3A). Also called: Mucopolysaccharidosis, type IIIA; mucopolysaccharidosis type 3A; MPS IIIA (Sanfilippo Syndrome Type A); HEPARAN SULFATE SULFATASE DEFICIENCY; Mucopolysaccharidosis type IIIA (Sanfilippo A); SANFILIPPO SYNDROME A. Identifiers: Orphanet 581, Orphanet 79269, MedGen C0086647, MONDO:0009655, OMIM 252900.

gnomAD v4.1: 9 of 1,613,890 alleles (0.00056%); highest among the groups gnomAD compares: East Asian, 0.018%; no homozygotes.

Submissions (2):

Ambry Genetics
Classification: Uncertain significance for Inborn genetic diseases. Last evaluated: 2022-01-18. Review status: criteria provided, single submitter. Criteria: Ambry Variant Classification Scheme 2023. Collection method: clinical testing. Allele origin: germline.

Labcorp Genetics (formerly Invitae), Labcorp
Classification: Uncertain significance for Mucopolysaccharidosis, MPS-III-A. Last evaluated: 2021-10-27. Review status: criteria provided, single submitter. Criteria: Invitae Variant Classification Sherloc (09022015). Collection method: clinical testing. Allele origin: germline.
Comment: This sequence change replaces arginine, a(n) basic and polar amino acid, with leucine, a(n) neutral and non-polar amino acid, at codon 435 of the SGSH protein (p.Arg435Leu). This variant is present in population databases (no rsID available, gnomAD 0.01%). This variant has not been reported in the literature in individuals affected with SGSH-related conditions. Algorithms developed to predict the effect of missense changes on protein structure and function (SIFT, PolyPhen-2, Align-GVGD) all suggest that this variant is likely to be disruptive. In summary, the available evidence is currently insufficient to determine the role of this variant in disease. Therefore, it has been classified as a Variant of Uncertain Significance.

NM_000199.5(SGSH):c.1304G>T (p.Arg435Leu)

Gene: SGSH (N-sulfoglucosamine sulfohydrolase; minus strand). Cytogenetic location: 17q25.3.
Variant type: single nucleotide variant.
Coding change: c.1304G>T on transcript NM_000199.5 (MANE Select); coding-DNA position 1304, G replaced by T.
Protein change: p.Arg435Leu; replaces arginine 435 with leucine.
Molecular consequence: missense variant. On other transcripts: 3 prime UTR variant (2), non-coding transcript variant (1).
Genome position (GRCh38, 1-based): chr17:80,210,657, C>A on the plus strand (G>T on the coding strand, the complement: SGSH is on the minus strand). VCF-style: chr17-80210657-C-A. GRCh37 (hg19) VCF-style: chr17-78184456-C-A.
Other names: c.1304G>T (NM_000199.3); c.*391G>T (NM_001352921.3); c.*354G>T (NM_001352922.2); short protein forms R435L.
Identifiers: ClinVar variation 1400041 (VCV001400041.4), dbSNP rs370528435, ClinGen allele CA401358715.